The following is an entry in ClinVar:

NM_032447.5(FBN3):c.703G>A (p.Gly235Ser)

Gene: FBN3 (fibrillin 3; minus strand). Cytogenetic location: 19p13.2.
Variant type: single nucleotide variant.
Coding change: c.703G>A on transcript NM_032447.5 (MANE Select); coding-DNA position 703, G replaced by A.
Protein change: p.Gly235Ser; replaces glycine 235 with serine.
Molecular consequence: missense variant.
Genome position (GRCh38, 1-based): chr19:8,141,976, C>T on the plus strand (G>A on the coding strand, the complement: FBN3 is on the minus strand). VCF-style: chr19-8141976-C-T. GRCh37 (hg19) VCF-style: chr19-8206860-C-T.
Other names: c.703G>A, p.Gly235Ser (NM_001321431.2); short protein forms G235S.
Identifiers: ClinVar variation 3696949 (VCV003696949.2).
Genomic context (GRCh38, chr19:8,141,976, plus strand): 5'-CTCAGCCCTGACCCCACTATTCACCTTGGCAGGCCCCCGTGTGGATATTGGGGATGAAGC[C>T]GCGGCGGCAGGGGTGTGGCTGTGCAGGGCAAAGTTCACATGGAAGGCCCCAGGCACGGCC-3'
Protein context (NP_115823.3, residues 225-245): CPAQPHPCRR[Gly235Ser]FIPNIHTGAC

ClinVar aggregate classification (germline): Uncertain significance (1 of 4 stars; one submission).

Submission:

Labcorp Genetics (formerly Invitae), Labcorp
Classification: Uncertain significance. Last evaluated: 2025-03-27. Review status: criteria provided, single submitter. Criteria: Invitae Variant Classification Sherloc (09022015). Collection method: clinical testing. Allele origin: germline.
Comment: This sequence change replaces glycine, which is neutral and non-polar, with serine, which is neutral and polar, at codon 235 of the FBN3 protein (p.Gly235Ser). This variant is present in population databases (rs774997128, gnomAD 0.01%). This variant has not been reported in the literature in individuals affected with FBN3-related conditions. An algorithm developed to predict the effect of missense changes on protein structure and function (PolyPhen-2) suggests that this variant is likely to be disruptive. In summary, the available evidence is currently insufficient to determine the role of this variant in disease. Therefore, it has been classified as a Variant of Uncertain Significance.